The following is an entry in ClinVar:

NM_001349798.2(FBXW7):c.461T>G (p.Val154Gly)

Gene: FBXW7 (F-box and WD repeat domain containing 7; minus strand). Cytogenetic location: 4q31.3.
Variant type: single nucleotide variant.
Coding change: c.461T>G on transcript NM_001349798.2 (MANE Select); coding-DNA position 461, T replaced by G.
Protein change: p.Val154Gly; replaces valine 154 with glycine.
Molecular consequence: missense variant.
Genome position (GRCh38, 1-based): chr4:152,411,343, A>C on the plus strand (T>G on the coding strand, the complement: FBXW7 is on the minus strand). VCF-style: chr4-152411343-A-C. GRCh37 (hg19) VCF-style: chr4-153332495-A-C.
Other names: c.461T>G, p.Val154Gly (NM_001257069.1, NM_033632.3); short protein forms V154G.
Identifiers: ClinVar variation 4056121 (VCV004056121.2).
Genomic context (GRCh38, chr4:152,411,343, plus strand): 5'-AATATATTGAATATACTCACTTTTGTTGTTTTTGTATAGAATGGGGAGGAGAGTTGGTGA[A>C]CGGGCAGGTCCACAATACTACTGGAGTTCGTGACACTGTTAGTATGTGTATGTTCATCTT-3'
Protein context (NP_001336727.1, residues 144-164): TNSSSIVDLP[Val154Gly]HQLSSPFYTK

ClinVar aggregate classification (germline): Uncertain significance (1 of 4 stars; one submission).

Conditions:
Developmental delay, hypotonia, and impaired language (DEDHIL). Identifiers: MedGen C5774202, MONDO:0859280, OMIM 620012.

gnomAD v4.1: 13 of 1,612,280 alleles (0.00081%); highest among the groups gnomAD compares: African/African-American, 0.0013%; no homozygotes.

Submission:

St. Jude Molecular Pathology, St. Jude Children's Research Hospital
Classification: Uncertain significance for Developmental delay, hypotonia, and impaired language. Last evaluated: 2025-06-17. Review status: criteria provided, single submitter. Criteria: St. Jude Assertion Criteria 2020. Collection method: clinical testing. Allele origin: germline.
Comment: The FBXW7 c.461T>G p.(Val154Gly) missense change has a maximum subpopulation frequency of 0.006% in gnomAD v2.1.1. The in silico tool REVEL predicts a benign effect on protein function, but to our knowledge this prediction has not been confirmed by functional studies. To our knowledge, this variant has not been reported in the literature in individuals with FBXW7-associated conditions. In summary, the evidence currently available is insufficient to determine the clinical significance of this variant. It has therefore been classified as of uncertain significance.